The following is an entry in ClinVar:

NM_000439.5(PCSK1):c.559T>C (p.Tyr187His)

Genes: CAST (calpastatin; plus strand), PCSK1 (proprotein convertase subtilisin/kexin type 1; minus strand), LOC101929710 (uncharacterized LOC101929710; plus strand). Cytogenetic location: 5q15.
Variant type: single nucleotide variant.
Coding change: c.559T>C on transcript NM_000439.5 (MANE Select); coding-DNA position 559, T replaced by C.
Protein change: p.Tyr187His; replaces tyrosine 187 with histidine.
Molecular consequence: missense variant.
Genome position (GRCh38, 1-based): chr5:96,421,941, A>G on the plus strand (T>C on the coding strand, the complement: PCSK1 is on the minus strand). VCF-style: chr5-96421941-A-G. GRCh37 (hg19) VCF-style: chr5-95757645-A-G.
Other names: c.418T>C, p.Tyr140His (NM_001177875.2); short protein forms Y187H, Y140H.
Identifiers: ClinVar variation 906971 (VCV000906971.7), dbSNP rs757534603, ClinGen allele CA3350437.

ClinVar aggregate classification (germline): Uncertain significance. Review status: criteria provided, multiple submitters, no conflicts (2 of 4 stars). 3 submissions from 3 submitters: Uncertain significance (3). Last evaluated 2025-07-22.

Conditions:
PCSK1-related disorder. Also called: PCSK1-related condition.
Obesity due to prohormone convertase I deficiency. Also called: OBESITY AND ENDOCRINOPATHY DUE TO IMPAIRED PROCESSING OF PROHORMONES. Identifiers: Orphanet 71528, MedGen C1833053, MONDO:0010961, OMIM 600955.
Inborn genetic diseases. Identifiers: MedGen C0950123, MeSH D030342.

Allele frequency attached by ClinVar (database versions not stated): gnomAD 0.00001; ExAC 0.00002; gnomAD exomes 0.00002.
gnomAD v4.1: 31 of 1,560,082 alleles (0.002%); highest among the groups gnomAD compares: Non-Finnish European, 0.0024%; no homozygotes.

Submissions (3):

PreventionGenetics, part of Exact Sciences
Classification: Uncertain significance for PCSK1-related condition. Last evaluated: 2025-07-22. Review status: criteria provided, single submitter. Criteria: ACMG Guidelines, 2015. Collection method: clinical testing. Allele origin: germline.
Comment: The PCSK1 c.559T>C variant is predicted to result in the amino acid substitution p.Tyr187His. This variant was observed in a cohort of individuals with obesity, and in vitro functional studies showed function similar to wild-type levels (Supplemental Data Set, Shah et al. 2023. PubMed ID: 36864747; Folon et al. 2023. PubMed ID: 36822744). This variant is reported in 0.0035% of alleles in individuals of European (non-Finnish) descent in gnomAD. At this time, the clinical significance of this variant is uncertain due to the absence of conclusive functional and genetic evidence.

Ambry Genetics
Classification: Uncertain significance for Inborn genetic diseases. Last evaluated: 2025-03-20. Review status: criteria provided, single submitter. Criteria: Ambry Variant Classification Scheme 2023. Collection method: clinical testing. Allele origin: germline.

Illumina Laboratory Services, Illumina
Classification: Uncertain significance for Obesity due to prohormone convertase I deficiency. Last evaluated: 2018-01-13. Review status: criteria provided, single submitter. Criteria: ICSL Variant Classification Criteria 13 December 2019. Collection method: clinical testing. Allele origin: germline.